The following is an entry in ClinVar:

ClinVar aggregate classification (germline): Uncertain significance (1 of 4 stars; one submission).

Submission:

Labcorp Genetics (formerly Invitae), Labcorp
Classification: Uncertain significance. Last evaluated: 2024-08-21. Review status: criteria provided, single submitter. Criteria: Invitae Variant Classification Sherloc (09022015). Collection method: clinical testing. Allele origin: germline.
Comment: This sequence change replaces glycine, which is neutral and non-polar, with arginine, which is basic and polar, at codon 587 of the AK7 protein (p.Gly587Arg). This variant is not present in population databases (gnomAD no frequency). This variant has not been reported in the literature in individuals affected with AK7-related conditions. Invitae Evidence Modeling of protein sequence and biophysical properties (such as structural, functional, and spatial information, amino acid conservation, physicochemical variation, residue mobility, and thermodynamic stability) indicates that this missense variant is not expected to disrupt AK7 protein function with a negative predictive value of 80%. In summary, the available evidence is currently insufficient to determine the role of this variant in disease. Therefore, it has been classified as a Variant of Uncertain Significance.

NM_152327.5(AK7):c.1759G>C (p.Gly587Arg)

Gene: AK7 (adenylate kinase 7; plus strand). Cytogenetic location: 14q32.2.
Variant type: single nucleotide variant.
Coding change: c.1759G>C on transcript NM_152327.5 (MANE Select); coding-DNA position 1759, G replaced by C.
Protein change: p.Gly587Arg; replaces glycine 587 with arginine.
Molecular consequence: missense variant.
Genome position (GRCh38, 1-based): chr14:96,483,004, G>C. VCF-style: chr14-96483004-G-C. GRCh37 (hg19) VCF-style: chr14-96949341-G-C.
Other names: c.1690G>C, p.Gly564Arg (NM_001350888.2, NM_001350890.2); c.1681G>C, p.Gly561Arg (NM_001350891.2); c.1561G>C, p.Gly521Arg (NM_001350892.2); short protein forms G521R, G564R, G561R, G587R.
Identifiers: ClinVar variation 3697537 (VCV003697537.2).